The following is an entry in ClinVar:

NM_001267550.2(TTN):c.88594_88595insGTAGGTGCTGAATACAGACCACTGTCATATTACATTTGCCTAAAGCTTAGTAATTTTGAACAAGTAGGCTTTAAAGAAGTACTAACATCGTGTTTTGTCCTTTCACTGATAGACAAACCAGGCCCACCTGGTGGACCAATTGAATTTAAGACTGTAACTGCTGAGAAGATCACCCTTCTCTGGCGGCCTCCAGCTGATGATGGTGGTGAAACCTGCGCCTACTATTGAGTGGTATAAAGATGATAAAGAATTACAAACCAATGCACTGGTGTGTGTTGAAAATACCACGGACCTCGCATCTATACTCATCAAAGATGCCGATCGCCTTAATAGTGGATGCTATGAATTAAAACTAAGGAATGCCATGGGCTCAGCCTCAGCCACCATCAGAGTACAGATCCTTGGTAGGTGCTGAATACAGACCACTGTCATATTACATTTGCCTAAAGCTTAGTAATTTTGAACAAGTAGGCTTTAAAGAAGTACTAACATCGTGTTTTGTCCTTTCACTGATAG (p.Asp29532delinsGlyArgCysTer)

Genes: TTN (titin; minus strand), TTN-AS1 (TTN antisense RNA 1; plus strand). Cytogenetic location: 2q31.2.
Variant type: Duplication.
Coding change: c.88594_88595insGTAGGTGCTGAATACAGACCACTGTCATATTACATTTGCCTAAAGCTTAGTAATTTTGAACAAGTAGGCTTTAAAGAAGTACTAACATCGTGTTTTGTCCTTTCACTGATAGACAAACCAGGCCCACCTGGTGGACCAATTGAATTTAAGACTGTAACTGCTGAGAAGATCACCCTTCTCTGGCGGCCTCCAGCTGATGATGGTGGTGAAACCTGCGCCTACTATTGAGTGGTATAAAGATGATAAAGAATTACAAACCAATGCACTGGTGTGTGTTGAAAATACCACGGACCTCGCATCTATACTCATCAAAGATGCCGATCGCCTTAATAGTGGATGCTATGAATTAAAACTAAGGAATGCCATGGGCTCAGCCTCAGCCACCATCAGAGTACAGATCCTTGGTAGGTGCTGAATACAGACCACTGTCATATTACATTTGCCTAAAGCTTAGTAATTTTGAACAAGTAGGCTTTAAAGAAGTACTAACATCGTGTTTTGTCCTTTCACTGATAG on transcript NM_001267550.2 (MANE Select); coding-DNA positions 88594 to 88595, GTAGGTGCTGAATACAGACCACTGTCATATTACATTTGCCTAAAGCTTAGTAATTTTGAACAAGTAGGCTTTAAAGAAGTACTAACATCGTGTTTTGTCCTTTCACTGATAGACAAACCAGGCCCACCTGGTGGACCAATTGAATTTAAGACTGTAACTGCTGAGAAGATCACCCTTCTCTGGCGGCCTCCAGCTGATGATGGTGGTGAAACCTGCGCCTACTATTGAGTGGTATAAAGATGATAAAGAATTACAAACCAATGCACTGGTGTGTGTTGAAAATACCACGGACCTCGCATCTATACTCATCAAAGATGCCGATCGCCTTAATAGTGGATGCTATGAATTAAAACTAAGGAATGCCATGGGCTCAGCCTCAGCCACCATCAGAGTACAGATCCTTGGTAGGTGCTGAATACAGACCACTGTCATATTACATTTGCCTAAAGCTTAGTAATTTTGAACAAGTAGGCTTTAAAGAAGTACTAACATCGTGTTTTGTCCTTTCACTGATAG inserted.
Protein change: p.Asp29532delinsGlyArgCysTer.
Molecular consequence: nonsense, splice acceptor variant, splice donor variant.
Genome position: GRCh38: chr2:178,554,657-178,555,060. GRCh37 (hg19): chr2:179,419,384-179,419,787.
Other names: c.83671_83672insGTAGGTGCTGAATACAGACCACTGTCATATTACATTTGCCTAAAGCTTAGTAATTTTGAACAAGTAGGCTTTAAAGAAGTACTAACATCGTGTTTTGTCCTTTCACTGATAGACAAACCAGGCCCACCTGGTGGACCAATTGAATTTAAGACTGTAACTGCTGAGAAGATCACCCTTCTCTGGCGGCCTCCAGCTGATGATGGTGGTGAAACCTGCGCCTACTATTGAGTGGTATAAAGATGATAAAGAATTACAAACCAATGCACTGGTGTGTGTTGAAAATACCACGGACCTCGCATCTATACTCATCAAAGATGCCGATCGCCTTAATAGTGGATGCTATGAATTAAAACTAAGGAATGCCATGGGCTCAGCCTCAGCCACCATCAGAGTACAGATCCTTGGTAGGTGCTGAATACAGACCACTGTCATATTACATTTGCCTAAAGCTTAGTAATTTTGAACAAGTAGGCTTTAAAGAAGTACTAACATCGTGTTTTGTCCTTTCACTGATAG, p.Asp27891delinsGlyArgCysTer (NM_001256850.1); c.61399_61400insGTAGGTGCTGAATACAGACCACTGTCATATTACATTTGCCTAAAGCTTAGTAATTTTGAACAAGTAGGCTTTAAAGAAGTACTAACATCGTGTTTTGTCCTTTCACTGATAGACAAACCAGGCCCACCTGGTGGACCAATTGAATTTAAGACTGTAACTGCTGAGAAGATCACCCTTCTCTGGCGGCCTCCAGCTGATGATGGTGGTGAAACCTGCGCCTACTATTGAGTGGTATAAAGATGATAAAGAATTACAAACCAATGCACTGGTGTGTGTTGAAAATACCACGGACCTCGCATCTATACTCATCAAAGATGCCGATCGCCTTAATAGTGGATGCTATGAATTAAAACTAAGGAATGCCATGGGCTCAGCCTCAGCCACCATCAGAGTACAGATCCTTGGTAGGTGCTGAATACAGACCACTGTCATATTACATTTGCCTAAAGCTTAGTAATTTTGAACAAGTAGGCTTTAAAGAAGTACTAACATCGTGTTTTGTCCTTTCACTGATAG, p.Asp20467delinsGlyArgCysTer (NM_003319.4); c.80890_80891insGTAGGTGCTGAATACAGACCACTGTCATATTACATTTGCCTAAAGCTTAGTAATTTTGAACAAGTAGGCTTTAAAGAAGTACTAACATCGTGTTTTGTCCTTTCACTGATAGACAAACCAGGCCCACCTGGTGGACCAATTGAATTTAAGACTGTAACTGCTGAGAAGATCACCCTTCTCTGGCGGCCTCCAGCTGATGATGGTGGTGAAACCTGCGCCTACTATTGAGTGGTATAAAGATGATAAAGAATTACAAACCAATGCACTGGTGTGTGTTGAAAATACCACGGACCTCGCATCTATACTCATCAAAGATGCCGATCGCCTTAATAGTGGATGCTATGAATTAAAACTAAGGAATGCCATGGGCTCAGCCTCAGCCACCATCAGAGTACAGATCCTTGGTAGGTGCTGAATACAGACCACTGTCATATTACATTTGCCTAAAGCTTAGTAATTTTGAACAAGTAGGCTTTAAAGAAGTACTAACATCGTGTTTTGTCCTTTCACTGATAG, p.Asp26964delinsGlyArgCysTer (NM_133378.4); c.61774_61775insGTAGGTGCTGAATACAGACCACTGTCATATTACATTTGCCTAAAGCTTAGTAATTTTGAACAAGTAGGCTTTAAAGAAGTACTAACATCGTGTTTTGTCCTTTCACTGATAGACAAACCAGGCCCACCTGGTGGACCAATTGAATTTAAGACTGTAACTGCTGAGAAGATCACCCTTCTCTGGCGGCCTCCAGCTGATGATGGTGGTGAAACCTGCGCCTACTATTGAGTGGTATAAAGATGATAAAGAATTACAAACCAATGCACTGGTGTGTGTTGAAAATACCACGGACCTCGCATCTATACTCATCAAAGATGCCGATCGCCTTAATAGTGGATGCTATGAATTAAAACTAAGGAATGCCATGGGCTCAGCCTCAGCCACCATCAGAGTACAGATCCTTGGTAGGTGCTGAATACAGACCACTGTCATATTACATTTGCCTAAAGCTTAGTAATTTTGAACAAGTAGGCTTTAAAGAAGTACTAACATCGTGTTTTGTCCTTTCACTGATAG, p.Asp20592delinsGlyArgCysTer (NM_133432.3); c.61975_61976insGTAGGTGCTGAATACAGACCACTGTCATATTACATTTGCCTAAAGCTTAGTAATTTTGAACAAGTAGGCTTTAAAGAAGTACTAACATCGTGTTTTGTCCTTTCACTGATAGACAAACCAGGCCCACCTGGTGGACCAATTGAATTTAAGACTGTAACTGCTGAGAAGATCACCCTTCTCTGGCGGCCTCCAGCTGATGATGGTGGTGAAACCTGCGCCTACTATTGAGTGGTATAAAGATGATAAAGAATTACAAACCAATGCACTGGTGTGTGTTGAAAATACCACGGACCTCGCATCTATACTCATCAAAGATGCCGATCGCCTTAATAGTGGATGCTATGAATTAAAACTAAGGAATGCCATGGGCTCAGCCTCAGCCACCATCAGAGTACAGATCCTTGGTAGGTGCTGAATACAGACCACTGTCATATTACATTTGCCTAAAGCTTAGTAATTTTGAACAAGTAGGCTTTAAAGAAGTACTAACATCGTGTTTTGTCCTTTCACTGATAG, p.Asp20659delinsGlyArgCysTer (NM_133437.4).
Identifiers: ClinVar variation 2080608 (VCV002080608.3), ClinGen allele CA2580064660.

ClinVar aggregate classification (germline): Likely pathogenic (1 of 4 stars; one submission).

Conditions:
Dilated cardiomyopathy 1G (CMD1G). Identifiers: Orphanet 154, MedGen C1858763, MONDO:0011400, OMIM 604145.
Autosomal recessive limb-girdle muscular dystrophy type 2J (LGMDR10). Also called: Limb-girdle muscular dystrophy, type 2J; MUSCULAR DYSTROPHY, LIMB-GIRDLE, AUTOSOMAL RECESSIVE 10. Identifiers: Orphanet 140922, MedGen C1837342, MONDO:0012127, OMIM 608807.

Submission:

Labcorp Genetics (formerly Invitae), Labcorp
Classification: Likely pathogenic for Dilated cardiomyopathy 1G; Autosomal recessive limb-girdle muscular dystrophy type 2J. Last evaluated: 2022-01-11. Review status: criteria provided, single submitter. Criteria: Invitae Variant Classification Sherloc (09022015). Collection method: clinical testing. Allele origin: germline.
Comment: In summary, the currently available evidence indicates that the variant is pathogenic, but additional data are needed to prove that conclusively. Therefore, this variant has been classified as Likely Pathogenic. This variant is located in the A band of TTN (PMID: 25589632). Truncating variants in this region are significantly overrepresented in patients affected with dilated cardiomyopathy (PMID: 25589632). Truncating variants in this region have also been reported in individuals affected with autosomal recessive centronuclear myopathy (PMID: 23975875). Algorithms developed to predict the effect of sequence changes on RNA splicing suggest that this variant may create or strengthen a splice site. This variant has not been reported in the literature in individuals affected with TTN-related conditions. This variant is not present in population databases (gnomAD no frequency). This sequence change creates a premature translational stop signal (p.Ala29564Glufs*7) in the TTN gene. While this is not anticipated to result in nonsense mediated decay, it is expected to create a truncated TTN protein.

Literature cited by the submitters: PubMed 25589632; PubMed 23975875.